The following is an entry in ClinVar:

NM_000059.4(BRCA2):c.1907C>T (p.Ser636Leu)

Gene: BRCA2 (BRCA2 DNA repair associated; plus strand). Cytogenetic location: 13q13.1.
Variant type: single nucleotide variant.
Coding change: c.1907C>T on transcript NM_000059.4 (MANE Select); coding-DNA position 1907, C replaced by T.
Protein change: p.Ser636Leu; replaces serine 636 with leucine.
Molecular consequence: missense variant.
Genome position (GRCh38, 1-based): chr13:32,333,385, C>T. VCF-style: chr13-32333385-C-T. GRCh37 (hg19) VCF-style: chr13-32907522-C-T.
Other names: short protein forms S636L.
Identifiers: ClinVar variation 231589 (VCV000231589.15), dbSNP rs431825288, ClinGen allele CA10579513.

ClinVar aggregate classification (germline): Uncertain significance. Review status: criteria provided, multiple submitters, no conflicts (2 of 4 stars). 3 submissions from 3 submitters: Uncertain significance (3). Last evaluated 2025-11-04.

Conditions:
Hereditary cancer-predisposing syndrome. Also called: Neoplastic Syndromes, Hereditary; Tumor predisposition; Hereditary Cancer Syndrome; Hereditary neoplastic syndrome. Identifiers: Orphanet 140162, MedGen C0027672, MeSH D009386, MONDO:0015356.
Hereditary breast ovarian cancer syndrome. Also called: BRCA1- and BRCA2-Associated Hereditary Breast and Ovarian Cancer; Hereditary breast and ovarian cancer syndrome; Hereditary breast and ovarian cancer; Hereditary breast and ovarian cancer syndrome (HBOC); Breast and ovarian cancer; Hereditary breast and/or ovarian cancer syndrome. Identifiers: Orphanet 145, MedGen C0677776, MeSH D061325, MONDO:0003582. Disease mechanism: loss of function.

Allele frequency attached by ClinVar (database versions not stated): gnomAD exomes below 0.00001.
gnomAD v4.1: 1 of 1,609,090 alleles (0.000062%); highest among the groups gnomAD compares: Admixed American, 0.0017%; no homozygotes.

Submissions (3):

Labcorp Genetics (formerly Invitae), Labcorp
Classification: Uncertain significance for Hereditary breast ovarian cancer syndrome. Last evaluated: 2025-11-04. Review status: criteria provided, single submitter. Criteria: Invitae Variant Classification Sherloc (09022015). Collection method: clinical testing. Allele origin: germline.
Comment: This sequence change replaces serine, which is neutral and polar, with leucine, which is neutral and non-polar, at codon 636 of the BRCA2 protein (p.Ser636Leu). The frequency data for this variant in the population databases is considered unreliable, as metrics indicate poor data quality at this position in the gnomAD database. This variant has not been reported in the literature in individuals affected with BRCA2-related conditions. ClinVar contains an entry for this variant (Variation ID: 231589). An algorithm developed to predict the effect of missense changes on protein structure and function (PolyPhen-2) suggests that this variant is likely to be tolerated. RNA analysis performed to evaluate the impact of this missense change on mRNA splicing indicates it does not significantly alter splicing (internal data). In summary, the available evidence is currently insufficient to determine the role of this variant in disease. Therefore, it has been classified as a Variant of Uncertain Significance.

Ambry Genetics
Classification: Uncertain significance for Hereditary cancer-predisposing syndrome. Last evaluated: 2024-01-23. Review status: criteria provided, single submitter. Criteria: Ambry Variant Classification Scheme 2023. Collection method: clinical testing. Allele origin: germline.
Comment: The p.S636L variant (also known as c.1907C>T), located in coding exon 9 of the BRCA2 gene, results from a C to T substitution at nucleotide position 1907. The serine at codon 636 is replaced by leucine, an amino acid with dissimilar properties. This amino acid position is not well conserved in available vertebrate species. In addition, this alteration is predicted to be tolerated by in silico analysis. Since supporting evidence is limited at this time, the clinical significance of this alteration remains unclear.

GeneDx
Classification: Uncertain significance. Last evaluated: 2023-11-19. Review status: criteria provided, single submitter. Criteria: GeneDx Variant Classification Process June 2021. Collection method: clinical testing. Allele origin: germline. Affected: yes.
Comment: Not observed at significant frequency in large population cohorts (gnomAD); In silico analysis supports that this missense variant does not alter protein structure/function; Has not been previously published as pathogenic or benign to our knowledge; Also known as 2135C>T; This variant is associated with the following publications: (PMID: 32377563, 30755392, 29884841)